The following is an entry in ClinVar:

NM_001005242.3(PKP2):c.107C>T (p.Ala36Val)

Gene: PKP2 (plakophilin 2; minus strand). Cytogenetic location: 12p11.21.
Variant type: single nucleotide variant.
Coding change: c.107C>T on transcript NM_001005242.3 (MANE Select); coding-DNA position 107, C replaced by T.
Protein change: p.Ala36Val; replaces alanine 36 with valine.
Molecular consequence: missense variant.
Genome position (GRCh38, 1-based): chr12:32,896,625, G>A on the plus strand (C>T on the coding strand, the complement: PKP2 is on the minus strand). VCF-style: chr12-32896625-G-A. GRCh37 (hg19) VCF-style: chr12-33049559-G-A.
Other names: c.107C>T, p.Ala36Val (NM_001407155.1, NM_001407156.1, NM_001407157.1 and 2 more transcripts); c.-720C>T (NM_001407158.1, NM_001407162.1); c.-484C>T (NM_001407159.1, NM_001407160.1); short protein forms A36V.
Identifiers: ClinVar variation 2428880 (VCV002428880.6), dbSNP rs2541384684, ClinGen allele CA384371370.

ClinVar aggregate classification (germline): Uncertain significance. Review status: criteria provided, multiple submitters, no conflicts (2 of 4 stars). 2 submissions from 2 submitters: Uncertain significance (2). Last evaluated 2023-12-04.

Conditions:
Arrhythmogenic right ventricular dysplasia 9 (ARVD9). Also called: Arrhythmogenic Right Ventricular Dysplasia/Cardiomyopathy 9; ARRHYTHMOGENIC RIGHT VENTRICULAR DYSPLASIA, FAMILIAL, 9. Identifiers: MedGen C1836906, MONDO:0012180, OMIM 609040.

Submissions (2):

Labcorp Genetics (formerly Invitae), Labcorp
Classification: Uncertain significance for Arrhythmogenic right ventricular dysplasia 9. Last evaluated: 2023-12-04. Review status: criteria provided, single submitter. Criteria: Invitae Variant Classification Sherloc (09022015). Collection method: clinical testing. Allele origin: germline.
Comment: This sequence change replaces alanine, which is neutral and non-polar, with valine, which is neutral and non-polar, at codon 36 of the PKP2 protein (p.Ala36Val). This variant is not present in population databases (gnomAD no frequency). This variant has not been reported in the literature in individuals affected with PKP2-related conditions. ClinVar contains an entry for this variant (Variation ID: 2428880). An algorithm developed to predict the effect of missense changes on protein structure and function (PolyPhen-2) suggests that this variant is likely to be disruptive. In summary, the available evidence is currently insufficient to determine the role of this variant in disease. Therefore, it has been classified as a Variant of Uncertain Significance.

GeneDx
Classification: Uncertain significance. Last evaluated: 2022-08-01. Review status: criteria provided, single submitter. Criteria: GeneDx Variant Classification Process June 2021. Collection method: clinical testing. Allele origin: germline. Affected: yes.
Comment: Not observed at significant frequency in large population cohorts (gnomAD); In silico analysis supports that this missense variant does not alter protein structure/function; Has not been previously published as pathogenic or benign to our knowledge